The following is an entry in ClinVar:

ClinVar aggregate classification (germline): Benign/Likely benign. Review status: criteria provided, multiple submitters, no conflicts (2 of 4 stars). 5 submissions from 5 submitters: Benign (1); Likely benign (4). Last evaluated 2026-06-25.

Conditions:
Ayme-Gripp syndrome. Also called: Aymé-Gripp Syndrome. Identifiers: MedGen C1832812, MONDO:0010992, OMIM 601088.
Cataract 21 multiple types. Also called: Cataract, congenital, cerulean type, 4; CATARACT 21, MULTIPLE TYPES, WITH MICROCORNEA; CATARACT 21, MULTIPLE TYPES, WITH OR WITHOUT MICROCORNEA; CATARACT 21, CERULEAN, WITH OR WITHOUT MICROCORNEA. Identifiers: Orphanet 91492, MedGen C1857768, MONDO:0012437, OMIM 610202.
Inborn genetic diseases. Identifiers: MedGen C0950123, MeSH D030342.

Allele frequency attached by ClinVar (database versions not stated): TOPMed 0.00029; gnomAD 0.00065 and 0.00068; gnomAD exomes 0.00041.

Submissions (5):

Women's Health and Genetics/Laboratory Corporation of America, LabCorp
Classification: Likely benign. Last evaluated: 2026-06-25. Review status: criteria provided, single submitter. Criteria: LabCorp Variant Classification Summary - May 2015. Collection method: clinical testing. Allele origin: germline.
Comment: Variant summary: MAF c.649G>A (p.Gly217Ser) results in a non-conservative amino acid change in the encoded protein sequence. Algorithms developed to predict the effect of missense changes on protein structure and function are either unavailable or do not agree on the potential impact of this missense change. The variant allele was found at a frequency of 0.00044 in 978550 control chromosomes, predominantly at a frequency of 0.0041 within the Finnish subpopulation in the gnomAD database. The observed variant frequency within Finnish control individuals in the gnomAD database exceeds the estimated maximal expected allele frequency for disease-causing variants in MAF. To our knowledge, no occurrence of c.649G>A in individuals affected with MAF-related conditions and no experimental evidence demonstrating its impact on protein function have been reported. ClinVar contains an entry for this variant (Variation ID: 1089386). Based on the evidence outlined above, the variant was classified as likely benign.

Labcorp Genetics (formerly Invitae), Labcorp
Classification: Likely benign for Cataract 21 multiple types; Ayme-Gripp syndrome. Last evaluated: 2025-06-12. Review status: criteria provided, single submitter. Criteria: Invitae Variant Classification Sherloc (09022015). Collection method: clinical testing. Allele origin: germline.

Laboratory of Genetics, Children's Clinical University Hospital Latvia
Classification: Benign. Last evaluated: 2025-02-16. Review status: criteria provided, single submitter. Criteria: ACMG Guidelines, 2015. Collection method: clinical testing. Allele origin: germline. Affected: yes.

Blueprint Genetics
Classification: Likely benign. Last evaluated: 2024-11-22. Review status: criteria provided, single submitter. Criteria: ACMG Guidelines, 2015. Collection method: clinical testing. Allele origin: germline.

Ambry Genetics
Classification: Likely benign for Inborn genetic diseases. Last evaluated: 2024-02-09. Review status: criteria provided, single submitter. Criteria: Ambry Variant Classification Scheme 2023. Collection method: clinical testing. Allele origin: germline.

NM_005360.5(MAF):c.649G>A (p.Gly217Ser)

Gene: MAF (MAF bZIP transcription factor; minus strand). Cytogenetic location: 16q23.2.
Variant type: single nucleotide variant.
Coding change: c.649G>A on transcript NM_005360.5 (MANE Select); coding-DNA position 649, G replaced by A.
Protein change: p.Gly217Ser; replaces glycine 217 with serine.
Molecular consequence: missense variant.
Genome position (GRCh38, 1-based): chr16:79,599,254, C>T on the plus strand (G>A on the coding strand, the complement: MAF is on the minus strand). VCF-style: chr16-79599254-C-T. GRCh37 (hg19) VCF-style: chr16-79633151-C-T.
Other names: c.649G>A, p.Gly217Ser (NM_001031804.3); c.649G>A (NM_005360.4); short protein forms G217S.
Identifiers: ClinVar variation 1089386 (VCV001089386.14), dbSNP rs977933498, ClinGen allele CA284128394.